The following is an entry in ClinVar:

NM_000138.5(FBN1):c.5856G>A (p.Gly1952=)

Gene: FBN1 (fibrillin 1; minus strand). Cytogenetic location: 15q21.1.
Variant type: single nucleotide variant.
Coding change: c.5856G>A on transcript NM_000138.5 (MANE Select); coding-DNA position 5856, G replaced by A.
Protein change: p.Gly1952=; no amino-acid change (glycine 1952 retained).
Molecular consequence: synonymous variant.
Genome position (GRCh38, 1-based): chr15:48,445,437, C>T on the plus strand (G>A on the coding strand, the complement: FBN1 is on the minus strand). VCF-style: chr15-48445437-C-T. GRCh37 (hg19) VCF-style: chr15-48737634-C-T.
Identifiers: ClinVar variation 929877 (VCV000929877.5), dbSNP rs763490270, ClinGen allele CA490022499.
Genomic context (GRCh38, chr15:48,445,437, plus strand): 5'-CACACAGGTCCTCCCATCTGGAGCCACCTCATAGCCTTCATTGCACTGGCACTGGAAAGA[C>T]CCCACTGTATTAATGCATTGGCCATTTCTGCAAAGATTCCCATTTCCACTTGCACATTCA-3'
Protein context (NP_000129.3, residues 1942-1962): CRNGQCINTV[Gly1952=]SFQCQCNEGY

ClinVar aggregate classification (germline): Likely benign. Review status: criteria provided, multiple submitters, no conflicts (2 of 4 stars). 2 submissions from 2 submitters: Likely benign (2). Last evaluated 2023-08-15.

Conditions:
Marfan syndrome (MFS). Also called: Marfan syndrome, classic; Marfan syndrome type 1; Marfan's syndrome; FBN1-Related Marfan Syndrome; MARFAN SYNDROME, TYPE I. Identifiers: Orphanet 284963, Orphanet 558, MedGen C0024796, MONDO:0007947, OMIM 154700.

Allele frequency attached by ClinVar (database versions not stated): gnomAD 0.00001.
gnomAD v4.1: 5 of 1,612,600 alleles (0.00031%); highest among the groups gnomAD compares: Non-Finnish European, 0.00042%; no homozygotes.

Submissions (2):

All of Us Research Program, National Institutes of Health
Classification: Likely benign for Marfan syndrome. Last evaluated: 2023-08-15. Review status: criteria provided, single submitter. Criteria: ACMG Guidelines, 2015. Collection method: clinical testing. Allele origin: germline. Inheritance: Autosomal dominant inheritance. Observed: 1 variant allele, 1 heterozygote.
Comment: This study involves interpretation of variants in research participants for the purpose of population health screening. Participant phenotype was not available at the time of variant classification. Additional details can be found in publication PMID: 35346344, PMCID: PMC8962531

Laboratory for Molecular Medicine, Mass General Brigham Personalized Medicine
Classification: Likely benign. Last evaluated: 2019-06-04. Review status: criteria provided, single submitter. Criteria: LMM Criteria. Collection method: clinical testing. Allele origin: germline. Observed: 1 variant allele.
Comment: The p.Gly1952Gly variant in FBN1 is classified as likely benign because it does not alter an amino acid residue, it is not located within the splice consensus sequence, and splice prediction algorithms do not predict a newly created splice site. ACMG/AMP Criteria applied: BP4, BP7.